The following is an entry in ClinVar:

NM_018718.3(CEP41):c.595A>G (p.Thr199Ala)

Gene: CEP41 (centrosomal protein 41; minus strand). Cytogenetic location: 7q32.2.
Variant type: single nucleotide variant.
Coding change: c.595A>G on transcript NM_018718.3 (MANE Select); coding-DNA position 595, A replaced by G.
Protein change: p.Thr199Ala; replaces threonine 199 with alanine.
Molecular consequence: missense variant. On other transcripts: non-coding transcript variant (1).
Genome position (GRCh38, 1-based): chr7:130,401,928, T>C on the plus strand (A>G on the coding strand, the complement: CEP41 is on the minus strand). VCF-style: chr7-130401928-T-C. GRCh37 (hg19) VCF-style: chr7-130041769-T-C.
Other names: c.595A>G, p.Thr199Ala (NM_001257158.2); c.547A>G, p.Thr183Ala (NM_001257159.2); short protein forms T183A, T199A.
Identifiers: ClinVar variation 1488641 (VCV001488641.8), dbSNP rs1796855782, ClinGen allele CA369288387.
Genomic context (GRCh38, chr7:130,401,928, plus strand): 5'-CAACAAAGGATACATATTCAAGAATATCATTTGAATAAGGGTTCATTGTTCTAGACAGAG[T>C]TGCAATTGGGTAACTGTAAGCTGCAAAGAGAAGAAAAAGTTTAGGAAGTCTGTTGTTCTC-3'
Protein context (NP_061188.1, residues 189-209): IVGAYSYPIA[Thr199Ala]LSRTMNPYSN

ClinVar aggregate classification (germline): Uncertain significance (1 of 4 stars; one submission).

Conditions:
Joubert syndrome 15 (JBTS15). Identifiers: Orphanet 475, MedGen C3280897, MONDO:0013763, OMIM 614464.

Submission:

Labcorp Genetics (formerly Invitae), Labcorp
Classification: Uncertain significance for Joubert syndrome 15. Last evaluated: 2024-10-26. Review status: criteria provided, single submitter. Criteria: Invitae Variant Classification Sherloc (09022015). Collection method: clinical testing. Allele origin: germline.
Comment: This sequence change replaces threonine, which is neutral and polar, with alanine, which is neutral and non-polar, at codon 199 of the CEP41 protein (p.Thr199Ala). This variant is not present in population databases (gnomAD no frequency). This variant has not been reported in the literature in individuals affected with CEP41-related conditions. ClinVar contains an entry for this variant (Variation ID: 1488641). Invitae Evidence Modeling of protein sequence and biophysical properties (such as structural, functional, and spatial information, amino acid conservation, physicochemical variation, residue mobility, and thermodynamic stability) indicates that this missense variant is not expected to disrupt CEP41 protein function with a negative predictive value of 80%. In summary, the available evidence is currently insufficient to determine the role of this variant in disease. Therefore, it has been classified as a Variant of Uncertain Significance.